The following is an entry in ClinVar:

ClinVar aggregate classification (germline): Uncertain significance (1 of 4 stars; one submission).

Conditions:
5-Oxoprolinase deficiency (OPLAHD). Also called: 5-OXOPROLINURIA DUE TO 5-OXOPROLINASE DEFICIENCY. Identifiers: Orphanet 33572, MedGen C0268525, MONDO:0009825, OMIM 260005, HP:0040142.

gnomAD v4.1: 9 of 1,606,172 alleles (0.00056%); highest among the groups gnomAD compares: African/African-American, 0.008%; no homozygotes.

Submission:

Labcorp Genetics (formerly Invitae), Labcorp
Classification: Uncertain significance for 5-Oxoprolinase deficiency. Last evaluated: 2025-06-12. Review status: criteria provided, single submitter. Criteria: Invitae Variant Classification Sherloc (09022015). Collection method: clinical testing. Allele origin: germline.
Comment: This sequence change replaces arginine, which is basic and polar, with glycine, which is neutral and non-polar, at codon 965 of the OPLAH protein (p.Arg965Gly). This variant is present in population databases (rs373732666, gnomAD 0.005%). This variant has not been reported in the literature in individuals affected with OPLAH-related conditions. Experimental studies and prediction algorithms are not available or were not evaluated, and the functional significance of this variant is currently unknown. In summary, the available evidence is currently insufficient to determine the role of this variant in disease. Therefore, it has been classified as a Variant of Uncertain Significance.

NM_017570.5(OPLAH):c.2893C>G (p.Arg965Gly)

Gene: OPLAH (5-oxoprolinase, ATP-hydrolysing; minus strand). Cytogenetic location: 8q24.3.
Variant type: single nucleotide variant.
Coding change: c.2893C>G on transcript NM_017570.5 (MANE Select); coding-DNA position 2893, C replaced by G.
Protein change: p.Arg965Gly; replaces arginine 965 with glycine.
Molecular consequence: missense variant.
Genome position (GRCh38, 1-based): chr8:144,053,108, G>C on the plus strand (C>G on the coding strand, the complement: OPLAH is on the minus strand). VCF-style: chr8-144053108-G-C. GRCh37 (hg19) VCF-style: chr8-145108011-G-C.
Other names: short protein forms R965G.
Identifiers: ClinVar variation 4703741 (VCV004703741.1).